The following is an entry in ClinVar:

NM_000179.3(MSH6):c.652A>G (p.Lys218Glu)

Gene: MSH6 (mutS homolog 6; plus strand). Cytogenetic location: 2p16.3.
Variant type: single nucleotide variant.
Coding change: c.652A>G on transcript NM_000179.3 (MANE Select); coding-DNA position 652, A replaced by G.
Protein change: p.Lys218Glu; replaces lysine 218 with glutamic acid.
Molecular consequence: missense variant. On other transcripts: 5 prime UTR variant (2).
Genome position (GRCh38, 1-based): chr2:47,798,635, A>G. VCF-style: chr2-47798635-A-G. GRCh37 (hg19) VCF-style: chr2-48025774-A-G.
Other names: c.262A>G, p.Lys88Glu (NM_001281492.2); c.-255A>G (NM_001281493.2, NM_001281494.2, NM_001406811.1 and 6 more transcripts); c.748A>G, p.Lys250Glu (NM_001406795.1, NM_001406802.1); c.652A>G, p.Lys218Glu (NM_001406796.1, NM_001406798.1, NM_001406800.1 and 4 more transcripts); c.355A>G, p.Lys119Glu (NM_001406797.1, NM_001406801.1, NM_001406805.1 and 10 more transcripts); c.127A>G, p.Lys43Glu (NM_001406799.1, NM_001406806.1, NM_001406807.1); c.574A>G, p.Lys192Glu (NM_001406804.1); c.658A>G, p.Lys220Glu (NM_001406813.1); and 1 more; short protein forms K192E, K218E, K250E, K119E, K162E, K88E, K220E, K43E.
Identifiers: ClinVar variation 2176693 (VCV002176693.5), dbSNP rs587779315, ClinGen allele CA346739313.

ClinVar aggregate classification (germline): Conflicting classifications of pathogenicity. Review status: criteria provided, conflicting classifications (1 of 4 stars). 2 submissions from 2 submitters: Uncertain significance (1); Likely benign (1). Last evaluated 2024-01-19.

Conditions:
Hereditary nonpolyposis colorectal neoplasms. Identifiers: MedGen C0009405, MeSH D003123.
Hereditary cancer-predisposing syndrome. Also called: Tumor predisposition; Hereditary neoplastic syndrome; Neoplastic Syndromes, Hereditary; Hereditary Cancer Syndrome. Identifiers: Orphanet 140162, MedGen C0027672, MeSH D009386, MONDO:0015356.

Submissions (2):

Ambry Genetics
Classification: Uncertain significance for Hereditary cancer-predisposing syndrome. Last evaluated: 2024-01-19. Review status: criteria provided, single submitter. Criteria: Ambry Variant Classification Scheme 2023. Collection method: clinical testing. Allele origin: germline.
Comment: The p.K218E variant (also known as c.652A>G), located in coding exon 4 of the MSH6 gene, results from an A to G substitution at nucleotide position 652. The lysine at codon 218 is replaced by glutamic acid, an amino acid with similar properties. This amino acid position is conserved. In addition, this alteration is predicted to be tolerated by in silico analysis. Based on the available evidence, the clinical significance of this alteration remains unclear.

Labcorp Genetics (formerly Invitae), Labcorp
Classification: Likely benign for Hereditary nonpolyposis colorectal neoplasms. Last evaluated: 2022-06-28. Review status: criteria provided, single submitter. Criteria: Invitae Variant Classification Sherloc (09022015). Collection method: clinical testing. Allele origin: germline.